The following is an entry in ClinVar:

ClinVar aggregate classification (germline): Uncertain significance (1 of 4 stars; one submission).

Conditions:
Regional enteritis. Also called: Enteritis, Granulomatous. Identifiers: MedGen C0678202, MeSH D003424.
Blau syndrome (BLAUS). Also called: ARTHROCUTANEOUVEAL GRANULOMATOSIS; GRANULOMATOSIS, FAMILIAL JUVENILE SYSTEMIC; GRANULOMATOSIS, FAMILIAL, BLAU TYPE; GRANULOMATOUS INFLAMMATORY ARTHRITIS, DERMATITIS, AND UVEITIS, FAMILIAL; JABS SYNDROME. Identifiers: Orphanet 90340, MedGen C5201146, MONDO:0008523, OMIM 186580.

Allele frequency attached by ClinVar (database versions not stated): gnomAD exomes below 0.00001.

Submission:

Labcorp Genetics (formerly Invitae), Labcorp
Classification: Uncertain significance for Regional enteritis; Blau syndrome. Last evaluated: 2024-01-13. Review status: criteria provided, single submitter. Criteria: Invitae Variant Classification Sherloc (09022015). Collection method: clinical testing. Allele origin: germline.
Comment: This sequence change replaces phenylalanine, which is neutral and non-polar, with serine, which is neutral and polar, at codon 53 of the NOD2 protein (p.Phe53Ser). This variant is not present in population databases (gnomAD no frequency). This variant has not been reported in the literature in individuals affected with NOD2-related conditions. Advanced modeling of protein sequence and biophysical properties (such as structural, functional, and spatial information, amino acid conservation, physicochemical variation, residue mobility, and thermodynamic stability) performed at Invitae indicates that this missense variant is not expected to disrupt NOD2 protein function with a negative predictive value of 95%. In summary, the available evidence is currently insufficient to determine the role of this variant in disease. Therefore, it has been classified as a Variant of Uncertain Significance.

NM_001370466.1(NOD2):c.77T>C (p.Phe26Ser)

Gene: NOD2 (nucleotide binding oligomerization domain containing 2; plus strand). Cytogenetic location: 16q12.1.
Variant type: single nucleotide variant.
Coding change: c.77T>C on transcript NM_001370466.1 (MANE Select); coding-DNA position 77, T replaced by C.
Protein change: p.Phe26Ser; replaces phenylalanine 26 with serine.
Molecular consequence: missense variant. On other transcripts: non-coding transcript variant (1).
Genome position (GRCh38, 1-based): chr16:50,699,572, T>C. VCF-style: chr16-50699572-T-C. GRCh37 (hg19) VCF-style: chr16-50733483-T-C.
Other names: c.77T>C, p.Phe26Ser (NM_001293557.2); c.158T>C, p.Phe53Ser (NM_022162.3); short protein forms F53S, F26S.
Identifiers: ClinVar variation 2924868 (VCV002924868.3), dbSNP rs2509131040, ClinGen allele CA395865490.